The following is an entry in ClinVar:

ClinVar aggregate classification (germline): Likely benign. Review status: criteria provided, multiple submitters, no conflicts (2 of 4 stars). 7 submissions from 7 submitters: Likely benign (6). 1 of the submissions does not count toward it. Last evaluated 2026-02-03.

Conditions:
Aneurysm-osteoarthritis syndrome. Also called: SMAD3-Related Loeys-Dietz Syndrome; LOEYS-DIETZ SYNDROME WITH OSTEOARTHRITIS; ANEURYSMS-OSTEOARTHRITIS SYNDROME; Loeys-Dietz syndrome, type 1C. Identifiers: Orphanet 284984, MedGen C3151087, MONDO:0013426, OMIM 613795.
Familial thoracic aortic aneurysm and aortic dissection (TAAD). Also called: Thoracic aortic aneurysms and dissections. Identifiers: Orphanet 91387, MedGen C4707243, MONDO:0019625.
SMAD3-related disorder. Also called: SMAD3-related condition.

Allele frequency attached by ClinVar (database versions not stated): ExAC 0.00004; gnomAD exomes 0.00004; ESP Exome Variant Server 0.00008; gnomAD 0.00009 and 0.00010; TOPMed 0.00012.
gnomAD v4.1: 216 of 1,613,984 alleles (0.013%); highest among the groups gnomAD compares: African/African-American, 0.016%; no homozygotes.

Submissions (7):

Labcorp Genetics (formerly Invitae), Labcorp
Classification: Likely benign for Familial thoracic aortic aneurysm and aortic dissection. Last evaluated: 2026-02-03. Review status: criteria provided, single submitter. Criteria: Invitae Variant Classification Sherloc (09022015). Collection method: clinical testing. Allele origin: germline.

Blueprint Genetics
Classification: Likely benign. Last evaluated: 2024-02-14. Review status: criteria provided, single submitter. Criteria: ACMG Guidelines, 2015. Collection method: clinical testing. Allele origin: germline.

All of Us Research Program, National Institutes of Health
Classification: Likely benign for Aneurysm-osteoarthritis syndrome. Last evaluated: 2024-02-05. Review status: criteria provided, single submitter. Criteria: ACMG Guidelines, 2015. Collection method: clinical testing. Allele origin: germline. Inheritance: Autosomal dominant inheritance. Observed: 25 variant alleles, 25 heterozygotes.
Comment: This study involves interpretation of variants in research participants for the purpose of population health screening. Participant phenotype was not available at the time of variant classification. Additional details can be found in publication PMID: 35346344, PMCID: PMC8962531

GeneDx
Classification: Likely benign. Last evaluated: 2020-03-06. Review status: criteria provided, single submitter. Criteria: GeneDx Variant Classification Process June 2021. Collection method: clinical testing. Allele origin: germline. Affected: yes.

Color Diagnostics, LLC DBA Color Health
Classification: Likely benign for Familial thoracic aortic aneurysm and aortic dissection. Last evaluated: 2018-10-15. Review status: criteria provided, single submitter. Criteria: ACMG Guidelines, 2015. Collection method: clinical testing. Allele origin: germline.

Ambry Genetics
Classification: Likely benign for Familial thoracic aortic aneurysm and aortic dissection. Last evaluated: 2016-03-09. Review status: criteria provided, single submitter. Criteria: Ambry Variant Classification Scheme 2023. Collection method: clinical testing. Allele origin: germline.

PreventionGenetics, part of Exact Sciences
Classification: Likely benign for SMAD3-related condition. Last evaluated: 2021-05-04. Review status: no assertion criteria provided. Collection method: clinical testing. Allele origin: germline. Not counted in ClinVar's aggregate classification.
Comment: This variant is classified as likely benign based on ACMG/AMP sequence variant interpretation guidelines (Richards et al. 2015 PMID: 25741868, with internal and published modifications).

NM_005902.4(SMAD3):c.783C>T (p.Thr261=)

Gene: SMAD3 (SMAD family member 3; plus strand). Cytogenetic location: 15q22.33.
Variant type: single nucleotide variant.
Coding change: c.783C>T on transcript NM_005902.4 (MANE Select); coding-DNA position 783, C replaced by T.
Protein change: p.Thr261=; no amino-acid change (threonine 261 retained).
Molecular consequence: synonymous variant.
Genome position (GRCh38, 1-based): chr15:67,181,365, C>T. VCF-style: chr15-67181365-C-T. GRCh37 (hg19) VCF-style: chr15-67473703-C-T.
Other names: c.468C>T, p.Thr156= (NM_001145102.2); c.651C>T, p.Thr217= (NM_001145103.2); c.198C>T, p.Thr66= (NM_001145104.2).
Identifiers: ClinVar variation 240271 (VCV000240271.25), dbSNP rs370620091, ClinGen allele CA062665.